The following is an entry in ClinVar:

ClinVar aggregate classification (germline): Uncertain significance (1 of 4 stars; one submission).

Allele frequency attached by ClinVar (database versions not stated): gnomAD exomes below 0.00001; gnomAD 0.00001.
gnomAD v4.1: 5 of 1,612,026 alleles (0.00031%); highest among the groups gnomAD compares: Admixed American, 0.0083%; no homozygotes.

Submission:

Labcorp Genetics (formerly Invitae), Labcorp
Classification: Uncertain significance. Last evaluated: 2024-10-23. Review status: criteria provided, single submitter. Criteria: Invitae Variant Classification Sherloc (09022015). Collection method: clinical testing. Allele origin: germline.
Comment: This sequence change replaces arginine, which is basic and polar, with glycine, which is neutral and non-polar, at codon 556 of the HGF protein (p.Arg556Gly). This variant is not present in population databases (gnomAD no frequency). This variant has not been reported in the literature in individuals affected with HGF-related conditions. ClinVar contains an entry for this variant (Variation ID: 1464558). An algorithm developed to predict the effect of missense changes on protein structure and function (PolyPhen-2) suggests that this variant is likely to be tolerated. In summary, the available evidence is currently insufficient to determine the role of this variant in disease. Therefore, it has been classified as a Variant of Uncertain Significance.

NM_000601.6(HGF):c.1666A>G (p.Arg556Gly)

Gene: HGF (hepatocyte growth factor; minus strand). Cytogenetic location: 7q21.11.
Variant type: single nucleotide variant.
Coding change: c.1666A>G on transcript NM_000601.6 (MANE Select); coding-DNA position 1666, A replaced by G.
Protein change: p.Arg556Gly; replaces arginine 556 with glycine.
Molecular consequence: missense variant.
Genome position (GRCh38, 1-based): chr7:81,706,378, T>C on the plus strand (A>G on the coding strand, the complement: HGF is on the minus strand). VCF-style: chr7-81706378-T-C. GRCh37 (hg19) VCF-style: chr7-81335694-T-C.
Other names: c.1651A>G, p.Arg551Gly (NM_001010932.3); short protein forms R551G, R556G.
Identifiers: ClinVar variation 1464558 (VCV001464558.6), dbSNP rs1789427642, ClinGen allele CA367872883.